The following is an entry in ClinVar:

NM_004813.4(PEX16):c.710T>G (p.Leu237Arg)

Gene: PEX16 (peroxisomal biogenesis factor 16; minus strand). Cytogenetic location: 11p11.2.
Variant type: single nucleotide variant.
Coding change: c.710T>G on transcript NM_004813.4 (MANE Select); coding-DNA position 710, T replaced by G.
Protein change: p.Leu237Arg; replaces leucine 237 with arginine.
Molecular consequence: missense variant.
Genome position (GRCh38, 1-based): chr11:45,914,188, A>C on the plus strand (T>G on the coding strand, the complement: PEX16 is on the minus strand). VCF-style: chr11-45914188-A-C. GRCh37 (hg19) VCF-style: chr11-45935739-A-C.
Other names: c.710T>G, p.Leu237Arg (NM_057174.3); short protein forms L237R.
Identifiers: ClinVar variation 973450 (VCV000973450.5), dbSNP rs753577538, ClinGen allele CA5959851.

ClinVar aggregate classification (germline): Uncertain significance. Review status: criteria provided, multiple submitters, no conflicts (2 of 4 stars). 2 submissions from 2 submitters: Uncertain significance (2). Last evaluated 2022-10-13.

Conditions:
Peroxisome biogenesis disorder. Identifiers: Orphanet 79189, MedGen C1832200, MONDO:0019234. Disease mechanism: loss of function.
Methylmalonic aciduria due to methylmalonyl-CoA mutase deficiency (MAMM). Also called: Methylmalonic aciduria, mut type. Identifiers: Orphanet 27, MedGen C1855114, MONDO:0009612, OMIM 251000.

Allele frequency attached by ClinVar (database versions not stated): TOPMed below 0.00001; gnomAD 0.00001; gnomAD exomes 0.00001 and 0.00004; ExAC 0.00003.
gnomAD v4.1: 10 of 1,612,740 alleles (0.00062%); highest among the groups gnomAD compares: East Asian, 0.022%; no homozygotes.

Submissions (2):

Labcorp Genetics (formerly Invitae), Labcorp
Classification: Uncertain significance for Peroxisome biogenesis disorder. Last evaluated: 2022-10-13. Review status: criteria provided, single submitter. Criteria: Invitae Variant Classification Sherloc (09022015). Collection method: clinical testing. Allele origin: germline.
Comment: This sequence change replaces leucine, which is neutral and non-polar, with arginine, which is basic and polar, at codon 237 of the PEX16 protein (p.Leu237Arg). This variant is present in population databases (rs753577538, gnomAD 0.05%). This variant has not been reported in the literature in individuals affected with PEX16-related conditions. ClinVar contains an entry for this variant (Variation ID: 973450). Advanced modeling of protein sequence and biophysical properties (such as structural, functional, and spatial information, amino acid conservation, physicochemical variation, residue mobility, and thermodynamic stability) performed at Invitae indicates that this missense variant is not expected to disrupt PEX16 protein function. In summary, the available evidence is currently insufficient to determine the role of this variant in disease. Therefore, it has been classified as a Variant of Uncertain Significance.

Elsea Laboratory, Baylor College of Medicine
Classification: Uncertain significance for Methylmalonic aciduria due to methylmalonyl-CoA mutase deficiency. Last evaluated: 2020-04-01. Review status: criteria provided, single submitter. Criteria: ACMG Guidelines, 2015. Collection method: clinical testing. Allele origin: maternal. Affected: no.